The following is an entry in ClinVar:

ClinVar aggregate classification (germline): Uncertain significance (1 of 4 stars; one submission).

Conditions:
Hereditary pancreatitis (PCTT). Also called: Hereditary chronic pancreatitis; PRSS1-Related Hereditary Pancreatitis. Identifiers: Orphanet 676, MedGen C0238339, MONDO:0008185, OMIM 167800.

Allele frequency attached by ClinVar (database versions not stated): gnomAD exomes below 0.00001.

Submission:

Ambry Genetics
Classification: Uncertain significance for Hereditary pancreatitis. Last evaluated: 2023-11-17. Review status: criteria provided, single submitter. Criteria: Ambry Variant Classification Scheme 2023. Collection method: clinical testing. Allele origin: germline.
Comment: The p.W43R variant (also known as c.127T>C), located in coding exon 2 of the CTRC gene, results from a T to C substitution at nucleotide position 127. The tryptophan at codon 43 is replaced by arginine, an amino acid with dissimilar properties. This amino acid position is conserved. In addition, this alteration is predicted to be deleterious by in silico analysis. Since supporting evidence is limited at this time, the clinical significance of this alteration remains unclear.

NM_007272.3(CTRC):c.127T>C (p.Trp43Arg)

Gene: CTRC (chymotrypsin C; plus strand). Cytogenetic location: 1p36.21.
Variant type: single nucleotide variant.
Coding change: c.127T>C on transcript NM_007272.3 (MANE Select); coding-DNA position 127, T replaced by C.
Protein change: p.Trp43Arg; replaces tryptophan 43 with arginine.
Molecular consequence: missense variant.
Genome position (GRCh38, 1-based): chr1:15,440,386, T>C. VCF-style: chr1-15440386-T-C. GRCh37 (hg19) VCF-style: chr1-15766882-T-C.
Other names: short protein forms W43R.
Identifiers: ClinVar variation 3226050 (VCV003226050.1), dbSNP rs2526289677, ClinGen allele CA338564789.